The following is an entry in ClinVar:

ClinVar aggregate classification (germline): Pathogenic/Likely pathogenic. Review status: criteria provided, multiple submitters, no conflicts (2 of 4 stars). 2 submissions from 2 submitters: Pathogenic (1); Likely pathogenic (1). Last evaluated 2024-03-28.

Conditions:
Arrhythmogenic cardiomyopathy with wooly hair and keratoderma. Also called: Arrhythmogenic cardiomyopathy with woolly hair and keratoderma; PALMOPLANTAR KERATODERMA WITH LEFT VENTRICULAR CARDIOMYOPATHY AND WOOLLY HAIR; Dilated cardiomyopathy with woolly hair and keratoderma; Carvajal syndrome. Identifiers: Orphanet 65282, MedGen C1854063, MONDO:0011581, OMIM 605676.
DSP-related disorder. Also called: DSP-related disorders; DSP-related condition.

Allele frequency attached by ClinVar (database versions not stated): gnomAD exomes below 0.00001.
gnomAD v4.1: 1 of 1,614,170 alleles (0.000062%); highest among the groups gnomAD compares: Non-Finnish European, 0.000085%; no homozygotes.

Submissions (2):

Rady Children's Institute for Genomic Medicine, Rady Children's Hospital San Diego
Classification: Likely pathogenic for DSP-Related Disorders. Last evaluated: 2024-03-28. Review status: criteria provided, single submitter. Criteria: ACMG Guidelines, 2015. Collection method: clinical testing. Allele origin: germline. Affected: yes.
Comment: This nonsense variant found in exon 23 of 24 is predicted to result in loss of normal protein function through either protein truncation or nonsense-mediated mRNA decay. Loss-of-function variation in DSP is an established mechanism of disease (PMID: 20716751, 24503780, 25227139, 20400443). This variant has not been previously reported or functionally characterized in the literature to our knowledge. The c.5119C>T (p.Gln1707Ter) variant is present in the gnomAD v4 population database at a frequency of 0.0001% (1/833110) in the heterozygous state and is absent in the homozygous state, thus is presumed to be rare. Based on the available evidence, c.5119C>T (p.Gln1707Ter) is classified as Likely Pathogenic.

All of Us Research Program, National Institutes of Health
Classification: Pathogenic for Arrhythmogenic cardiomyopathy with wooly hair and keratoderma. Last evaluated: 2023-11-07. Review status: criteria provided, single submitter. Criteria: ACMG Guidelines, 2015. Collection method: clinical testing. Allele origin: germline. Inheritance: Autosomal dominant inheritance. Observed: 1 variant allele, 1 heterozygote.
Comment: The c.5119C>T (p.Arg1707*) variant in the DSP gene causes a premature termination at codon 1707. This change is predicted to result in an absent or disrupted protein product. Loss-of-function variants in DSP are known to be pathogenic (PMID: 20716751, 24503780, 25227139). This variant is not present in the general population according to gnomAD. Therefore, the c.5119C>T (p.Arg1707*) variant in the DSP gene has been classified as pathogenic.

This study involves interpretation of variants in research participants for the purpose of population health screening. Participant phenotype was not available at the time of variant classification. Additional details can be found in publication PMID: 35346344, PMCID: PMC8962531

Literature cited by the submitters: PubMed 20716751 (cited by All of Us Research Program, National Institutes of Health); PubMed 24503780 (cited by All of Us Research Program, National Institutes of Health); PubMed 25227139 (cited by All of Us Research Program, National Institutes of Health).

NM_004415.4(DSP):c.5119C>T (p.Gln1707Ter)

Gene: DSP (desmoplakin; plus strand). Cytogenetic location: 6p24.3.
Variant type: single nucleotide variant.
Coding change: c.5119C>T on transcript NM_004415.4 (MANE Select); coding-DNA position 5119, C replaced by T.
Protein change: p.Gln1707Ter; replaces glutamine 1707 with a stop codon.
Molecular consequence: nonsense. On other transcripts: intron variant (2).
Genome position (GRCh38, 1-based): chr6:7,581,309, C>T. VCF-style: chr6-7581309-C-T. GRCh37 (hg19) VCF-style: chr6-7581542-C-T.
Other names: c.5119C>T (NM_004415.3); c.4050+1069C>T (NM_001319034.2); c.3583-1333C>T (NM_001008844.3); short protein forms Q1707*.
Identifiers: ClinVar variation 3072405 (VCV003072405.2), dbSNP rs2533931655, ClinGen allele CA362687895.
Genomic context (GRCh38, chr6:7,581,309, plus strand): 5'-AAGGCGATAGAAGATAAAAGCAGAAGCTTAAATGAAAGCAAAATAGAAATTGAGAGGCTG[C>T]AGTCTCTCACAGAGAACCTGACCAAGGAGCACTTGATGTTAGAAGAAGAACTGCGGAACC-3'